The following is an entry in ClinVar:

ClinVar aggregate classification (germline): Uncertain significance (1 of 4 stars; one submission).

Submission:

Ambry Genetics
Classification: Uncertain significance. Last evaluated: 2024-03-09. Review status: criteria provided, single submitter. Criteria: Ambry Variant Classification Scheme 2023. Collection method: clinical testing. Allele origin: germline.
Comment: The p.K243E variant (also known as c.727A>G), located in coding exon 5 of the POLQ gene, results from an A to G substitution at nucleotide position 727. The lysine at codon 243 is replaced by glutamic acid, an amino acid with similar properties. This amino acid position is conserved. In addition, this alteration is predicted to be tolerated by in silico analysis. Based on the available evidence, the clinical significance of this alteration remains unclear.

NM_199420.4(POLQ):c.727A>G (p.Lys243Glu)

Gene: POLQ (DNA polymerase theta; minus strand). Cytogenetic location: 3q13.33.
Variant type: single nucleotide variant.
Coding change: c.727A>G on transcript NM_199420.4 (MANE Select); coding-DNA position 727, A replaced by G.
Protein change: p.Lys243Glu; replaces lysine 243 with glutamic acid.
Molecular consequence: missense variant.
Genome position (GRCh38, 1-based): chr3:121,537,113, T>C on the plus strand (A>G on the coding strand, the complement: POLQ is on the minus strand). VCF-style: chr3-121537113-T-C. GRCh37 (hg19) VCF-style: chr3-121255960-T-C.
Other names: short protein forms K243E.
Identifiers: ClinVar variation 3230148 (VCV003230148.1), dbSNP rs2546822661, ClinGen allele CA354090352.
Genomic context (GRCh38, chr3:121,537,113, plus strand): 5'-TCAACATTGTTTGAAATCTCAGGAACTCAGTTATTTCACGTACTTACCAAGATGCTGATT[T>C]CCGAGTAATATAGCAAATCTTGGTCAGCAAAAGTTCCAGCAGATACCCTCGGTGAGAGTC-3'
Protein context (NP_955452.3, residues 233-253): LLTKICYITR[Lys243Glu]SASCQADLAS